The following is an entry in ClinVar:

ClinVar aggregate classification (germline): Benign. Review status: criteria provided, multiple submitters, no conflicts (2 of 4 stars). 4 submissions from 4 submitters: Benign (3). 1 of the submissions does not count toward it. Last evaluated 2026-02-01.

Conditions:
SERPING1-related disorder. Also called: SERPING1-related condition.
Hereditary angioedema type 1 (HAE1). Identifiers: Orphanet 100050, Orphanet 100051, Orphanet 91378, MedGen C2717906, MONDO:0015053, OMIM 106100.

Allele frequency attached by ClinVar (database versions not stated): ESP Exome Variant Server 0.00008; gnomAD 0.00124 and 0.00193; gnomAD exomes 0.00166 and 0.00388; TOPMed 0.00247; ExAC 0.00407; 1000 Genomes Project 30x 0.00734; 1000 Genomes Project 0.00779.
gnomAD v4.1: 2,713 of 1,614,190 alleles (0.17%); highest among the groups gnomAD compares: East Asian, 5.1%; 58 homozygotes.

Submissions (4):

Labcorp Genetics (formerly Invitae), Labcorp
Classification: Benign. Last evaluated: 2026-02-01. Review status: criteria provided, single submitter. Criteria: Invitae Variant Classification Sherloc (09022015). Collection method: clinical testing. Allele origin: germline.

Illumina Laboratory Services, Illumina
Classification: Benign for Hereditary angioedema type 1. Last evaluated: 2018-01-13. Review status: criteria provided, single submitter. Criteria: ICSL Variant Classification Criteria 13 December 2019. Collection method: clinical testing. Allele origin: germline.
Comment: This variant was observed in the ICSL laboratory as part of a predisposition screen in an ostensibly healthy population. It had not been previously curated by ICSL or reported in the Human Gene Mutation Database (HGMD: prior to June 1st, 2018), and was therefore a candidate for classification through an automated scoring system. Utilizing variant allele frequency, disease prevalence and penetrance estimates, and inheritance mode, an automated score was calculated to assess if this variant is too frequent to cause the disease. Based on the score and internal cut-off values, a variant classified as benign is not then subjected to further curation. The score for this variant resulted in a classification of benign for this disease.

Breakthrough Genomics
Classification: Benign. Review status: criteria provided, single submitter. Criteria: ACMG Guidelines, 2015. Collection method: not provided. Allele origin: germline. Inheritance: Autosomal recessive inheritance. Affected: yes.

PreventionGenetics, part of Exact Sciences
Classification: Benign for SERPING1-related condition. Last evaluated: 2024-02-09. Review status: no assertion criteria provided. Collection method: clinical testing. Allele origin: germline. Not counted in ClinVar's aggregate classification.
Comment: This variant is classified as benign based on ACMG/AMP sequence variant interpretation guidelines (Richards et al. 2015 PMID: 25741868, with internal and published modifications).

NM_000062.3(SERPING1):c.167T>C (p.Val56Ala)

Gene: SERPING1 (serpin family G member 1; plus strand). Cytogenetic location: 11q12.1.
Variant type: single nucleotide variant.
Coding change: c.167T>C on transcript NM_000062.3 (MANE Select); coding-DNA position 167, T replaced by C.
Protein change: p.Val56Ala; replaces valine 56 with alanine.
Molecular consequence: missense variant.
Genome position (GRCh38, 1-based): chr11:57,599,994, T>C. VCF-style: chr11-57599994-T-C. GRCh37 (hg19) VCF-style: chr11-57367467-T-C.
Other names: c.167T>C, p.Val56Ala (NM_001032295.2); short protein forms V56A.
Identifiers: ClinVar variation 305020 (VCV000305020.18), dbSNP rs11546660, ClinGen allele CA6007987.
Genomic context (GRCh38, chr11:57,599,994, plus strand): 5'-GTTTGCAAGACAGAGGCGAAGGGAAGGTCGCAACAACAGTTATCTCCAAGATGCTATTCG[T>C]TGAACCCATCCTGGAGGTTTCCAGCTTGCCGACAACCAACTCAACAACCAATTCAGCCAC-3'
Protein context (NP_000053.2, residues 46-66): ATTVISKMLF[Val56Ala]EPILEVSSLP